The following is an entry in ClinVar:

ClinVar aggregate classification (germline): Uncertain significance. Review status: criteria provided, multiple submitters, no conflicts (2 of 4 stars). 2 submissions from 2 submitters: Uncertain significance (2). Last evaluated 2024-12-12.

Conditions:
NARS1-related disorder. Also called: NARS1-related condition.

Allele frequency attached by ClinVar (database versions not stated): ExAC 0.00002; gnomAD exomes 0.00003; TOPMed 0.00003; gnomAD 0.00004.
gnomAD v4.1: 46 of 1,614,118 alleles (0.0028%); highest among the groups gnomAD compares: Middle Eastern, 0.033%; no homozygotes.

Submissions (2):

PreventionGenetics, part of Exact Sciences
Classification: Uncertain significance for NARS1-related condition. Last evaluated: 2024-12-12. Review status: criteria provided, single submitter. Criteria: ACMG Guidelines, 2015. Collection method: clinical testing. Allele origin: germline.
Comment: The NARS1 c.863A>C variant is predicted to result in the amino acid substitution p.Asp288Ala. To our knowledge, this variant has not been reported in the literature. This variant is reported in 0.0053% of alleles in individuals of European (Non-Finnish) descent in gnomAD. At this time, the clinical significance of this variant is uncertain due to the absence of conclusive functional and genetic evidence.

Ambry Genetics
Classification: Uncertain significance. Last evaluated: 2022-04-07. Review status: criteria provided, single submitter. Criteria: Ambry Variant Classification Scheme 2023. Collection method: clinical testing. Allele origin: germline.

NM_004539.4(NARS1):c.863A>C (p.Asp288Ala)

Gene: NARS1 (asparaginyl-tRNA synthetase 1; minus strand). Cytogenetic location: 18q21.31.
Variant type: single nucleotide variant.
Coding change: c.863A>C on transcript NM_004539.4 (MANE Select); coding-DNA position 863, A replaced by C.
Protein change: p.Asp288Ala; replaces aspartic acid 288 with alanine.
Molecular consequence: missense variant.
Genome position (GRCh38, 1-based): chr18:57,607,272, T>G on the plus strand (A>C on the coding strand, the complement: NARS1 is on the minus strand). VCF-style: chr18-57607272-T-G. GRCh37 (hg19) VCF-style: chr18-55274504-T-G.
Other names: short protein forms D288A.
Identifiers: ClinVar variation 3175686 (VCV003175686.2), dbSNP rs777160313, ClinGen allele CA8973579.
Genomic context (GRCh38, chr18:57,607,272, plus strand): 5'-AGGCAGGTCTCCAAGTACAACTGAGAGGATTGAGTCAAAAATGCCTCTTCCCCAAAATAG[T>G]CAAGCTTGAAGAGTGTGGCACCACCTTCTACTTGTGTTTGCACTAATGTTGGAGGAGTAA-3'
Protein context (NP_004530.1, residues 278-298): VEGGATLFKL[Asp288Ala]YFGEEAFLTQ